The following is an entry in ClinVar:

ClinVar aggregate classification (germline): Uncertain significance. Review status: criteria provided, multiple submitters, no conflicts (2 of 4 stars). 2 submissions from 2 submitters: Uncertain significance (2). Last evaluated 2025-02-19.

Conditions:
Atrial standstill 1 (ATRST1). Also called: Atrial standstill, digenic (GJA5/SCN5A); ATRIAL CARDIOMYOPATHY WITH HEART BLOCK; CARDIOMYOPATHY, FAMILIAL, WITH CONDUCTION DISTURBANCE. Identifiers: Orphanet 1344, MedGen C4551959, MONDO:0007171, OMIM 108770.
Atrial fibrillation, familial, 11 (ATFB11). Identifiers: MedGen C3279693, MONDO:0013544, OMIM 614049.

Allele frequency attached by ClinVar (database versions not stated): TOPMed 0.00002; gnomAD 0.00004.
gnomAD v4.1: 7 of 1,608,254 alleles (0.00044%); highest among the groups gnomAD compares: African/African-American, 0.0067%; no homozygotes.

Submissions (2):

Labcorp Genetics (formerly Invitae), Labcorp
Classification: Uncertain significance for Atrial fibrillation, familial, 11; Atrial standstill 1. Last evaluated: 2025-02-19. Review status: criteria provided, single submitter. Criteria: Invitae Variant Classification Sherloc (09022015). Collection method: clinical testing. Allele origin: germline.
Comment: This sequence change affects codon 356 of the GJA5 mRNA. It is a 'silent' change, meaning that it does not change the encoded amino acid sequence of the GJA5 protein. This variant is present in population databases (no rsID available, gnomAD 0.02%). This variant has not been reported in the literature in individuals affected with GJA5-related conditions. ClinVar contains an entry for this variant (Variation ID: 292447). Algorithms developed to predict the effect of sequence changes on RNA splicing suggest that this variant is not likely to affect RNA splicing. In summary, the available evidence is currently insufficient to determine the role of this variant in disease. Therefore, it has been classified as a Variant of Uncertain Significance.

Illumina Laboratory Services, Illumina
Classification: Uncertain significance for Atrial fibrillation, familial, 11. Last evaluated: 2018-01-12. Review status: criteria provided, single submitter. Criteria: ICSL Variant Classification Criteria 13 December 2019. Collection method: clinical testing. Allele origin: germline.

NM_181703.4(GJA5):c.1068A>G (p.Leu356=)

Gene: GJA5 (gap junction protein alpha 5; minus strand). Cytogenetic location: 1q21.2.
Variant type: single nucleotide variant.
Coding change: c.1068A>G on transcript NM_181703.4 (MANE Select); coding-DNA position 1068, A replaced by G.
Protein change: p.Leu356=; no amino-acid change (leucine 356 retained).
Molecular consequence: synonymous variant.
Genome position (GRCh38, 1-based): chr1:147,758,171, T>C on the plus strand (A>G on the coding strand, the complement: GJA5 is on the minus strand). VCF-style: chr1-147758171-T-C. GRCh37 (hg19) VCF-style: chr1-147230279-T-C.
Other names: c.1068A>G, p.Leu356= (NM_005266.7).
Identifiers: ClinVar variation 292447 (VCV000292447.8), dbSNP rs886045250, ClinGen allele CA10607627.